The following is an entry in ClinVar:

ClinVar aggregate classification (germline): Uncertain significance (1 of 4 stars; one submission).

Conditions:
Familial cancer of breast. Also called: Hereditary breast cancer; hereditary breast carcinoma; BREAST CANCER, FAMILIAL. Identifiers: Orphanet 227535, MedGen C0346153, MONDO:0016419, OMIM 114480. Disease mechanism: loss of function.

Submission:

Labcorp Genetics (formerly Invitae), Labcorp
Classification: Uncertain significance for Familial cancer of breast. Last evaluated: 2022-09-30. Review status: criteria provided, single submitter. Criteria: Invitae Variant Classification Sherloc (09022015). Collection method: clinical testing. Allele origin: germline.
Comment: A copy number gain of the genomic region encompassing the full coding sequence of the BARD1 gene has been identified. The boundaries of this event are unknown as they extend beyond the assayed region for this gene and therefore may encompass additional genes. As the precise location of this event is unknown, it may be in tandem or it may be located elsewhere in the genome. This variant has not been reported in the literature in individuals affected with BARD1-related conditions. Experimental studies and prediction algorithms are not available or were not evaluated, and the functional significance of this variant is currently unknown. In summary, the available evidence is currently insufficient to determine the role of this variant in disease. Therefore, it has been classified as a Variant of Uncertain Significance.

NC_000002.11:g.(?_215593400)_(215813893_?)dup

Genes: ABCA12 (ATP binding cassette subfamily A member 12; minus strand), BARD1 (BRCA1 associated RING domain 1; minus strand). Cytogenetic location: 2q35.
Variant type: Duplication.
Identifiers: ClinVar variation 2423136 (VCV002423136.3).